The following is an entry in ClinVar:

NM_001098484.3(SLC4A4):c.114T>C (p.Ser38=)

Gene: SLC4A4 (solute carrier family 4 member 4; plus strand). Cytogenetic location: 4q13.3.
Variant type: single nucleotide variant.
Coding change: c.114T>C on transcript NM_001098484.3 (MANE Select); coding-DNA position 114, T replaced by C.
Protein change: p.Ser38=; no amino-acid change (serine 38 retained).
Molecular consequence: synonymous variant.
Genome position (GRCh38, 1-based): chr4:71,255,260, T>C. VCF-style: chr4-71255260-T-C. GRCh37 (hg19) VCF-style: chr4-72120977-T-C.
Other names: c.114T>C, p.Ser38= (NM_001134742.2); c.114T>C (NM_001098484.2).
Identifiers: ClinVar variation 2654800 (VCV002654800.25), dbSNP rs188304864, ClinGen allele CA2954468.

ClinVar aggregate classification (germline): Likely benign. Review status: criteria provided, multiple submitters, no conflicts (2 of 4 stars). 2 submissions from 2 submitters: Likely benign (2). Last evaluated 2026-03-12.

Conditions:
SLC4A4-related disorder. Also called: SLC4A4-related condition.

Allele frequency attached by ClinVar (database versions not stated): ExAC 0.00139; gnomAD 0.00158; 1000 Genomes Project 0.00160; 1000 Genomes Project 30x 0.00172; TOPMed 0.00192; ESP Exome Variant Server 0.00213; gnomAD exomes 0.00258.
gnomAD v4.1: 4,051 of 1,613,192 alleles (0.25%); highest among the groups gnomAD compares: Non-Finnish European, 0.31%; 6 homozygotes.

Submissions (2):

PreventionGenetics, part of Exact Sciences
Classification: Likely benign for SLC4A4-related condition. Last evaluated: 2026-03-12. Review status: criteria provided, single submitter. Criteria: ACMG Guidelines, 2015. Collection method: clinical testing. Allele origin: germline.
Comment: This variant is classified as likely benign based on ACMG/AMP sequence variant interpretation guidelines (Richards et al. 2015 PMID: 25741868, with internal and published modifications).

CeGaT Center for Human Genetics Tuebingen
Classification: Likely benign. Last evaluated: 2023-03-01. Review status: criteria provided, single submitter. Criteria: CeGaT Center For Human Genetics Tuebingen Variant Classification Criteria Version 2. Collection method: clinical testing. Allele origin: germline. Affected: yes. Observed: 1 variant allele.
Comment: SLC4A4: BP4, BP7